The following is an entry in ClinVar:

ClinVar aggregate classification (germline): Uncertain significance (1 of 4 stars; one submission).

gnomAD v4.1: 5 of 1,614,104 alleles (0.00031%); highest among the groups gnomAD compares: Admixed American, 0.005%; no homozygotes.

Submission:

Dasa
Classification: Uncertain significance. Last evaluated: 2025-08-24. Review status: criteria provided, single submitter. Criteria: DASA Assertion Criteria. Collection method: clinical testing. Allele origin: germline.
Comment: NM_000254.3(MTR):c.214A>G (p.Ile72Val) is a missense variant that results in the substitution of isoleucine with valine. This variant is rare in population databases. Computational prediction algorithms are consistent with a benign effect. The currently available literature and clinical evidence are not sufficient to establish a definitive association between this variant and the reported condition. Therefore, this variant is classified as a variant of uncertain significance.

NM_000254.3(MTR):c.214A>G (p.Ile72Val)

Gene: MTR (5-methyltetrahydrofolate-homocysteine methyltransferase; plus strand). Cytogenetic location: 1q43.
Variant type: single nucleotide variant.
Coding change: c.214A>G on transcript NM_000254.3 (MANE Select); coding-DNA position 214, A replaced by G.
Protein change: p.Ile72Val; replaces isoleucine 72 with valine.
Molecular consequence: missense variant. On other transcripts: 5 prime UTR variant (1).
Genome position (GRCh38, 1-based): chr1:236,803,607, A>G. VCF-style: chr1-236803607-A-G. GRCh37 (hg19) VCF-style: chr1-236966907-A-G.
Other names: c.214A>G, p.Ile72Val (NM_001410942.1, NM_001291939.1); c.-895A>G (NM_001291940.2); short protein forms I72V.
Identifiers: ClinVar variation 4881618 (VCV004881618.2).